The following is an entry in ClinVar:

ClinVar aggregate classification (germline): Likely benign (1 of 4 stars; one submission).

Allele frequency attached by ClinVar (database versions not stated): gnomAD 0.00001; gnomAD exomes 0.00001; ExAC 0.00002.
gnomAD v4.1: 19 of 1,613,542 alleles (0.0012%); highest among the groups gnomAD compares: Middle Eastern, 0.066%; no homozygotes.

Submission:

CeGaT Center for Human Genetics Tuebingen
Classification: Likely benign. Last evaluated: 2023-04-01. Review status: criteria provided, single submitter. Criteria: CeGaT Center For Human Genetics Tuebingen Variant Classification Criteria Version 2. Collection method: clinical testing. Allele origin: germline. Affected: yes. Observed: 1 variant allele.
Comment: SCYL1: BP4, BP7

NM_020680.4(SCYL1):c.306C>T (p.Tyr102=)

Gene: SCYL1 (SCY1 like pseudokinase 1; plus strand). Cytogenetic location: 11q13.1.
Variant type: single nucleotide variant.
Coding change: c.306C>T on transcript NM_020680.4 (MANE Select); coding-DNA position 306, C replaced by T.
Protein change: p.Tyr102=; no amino-acid change (tyrosine 102 retained).
Molecular consequence: synonymous variant.
Genome position (GRCh38, 1-based): chr11:65,525,974, C>T. VCF-style: chr11-65525974-C-T. GRCh37 (hg19) VCF-style: chr11-65293445-C-T.
Other names: c.306C>T, p.Tyr102= (NM_001048218.2, NM_001411022.1).
Identifiers: ClinVar variation 2641957 (VCV002641957.24), dbSNP rs756722104, ClinGen allele CA6099458.